The following is an entry in ClinVar:

NM_194255.4(SLC19A1):c.971C>T (p.Ala324Val)

Gene: SLC19A1 (solute carrier family 19 member 1; minus strand). Cytogenetic location: 21q22.3.
Variant type: single nucleotide variant.
Coding change: c.971C>T on transcript NM_194255.4 (MANE Select); coding-DNA position 971, C replaced by T.
Protein change: p.Ala324Val; replaces alanine 324 with valine.
Molecular consequence: missense variant.
Genome position (GRCh38, 1-based): chr21:45,530,950, G>A on the plus strand (C>T on the coding strand, the complement: SLC19A1 is on the minus strand). VCF-style: chr21-45530950-G-A. GRCh37 (hg19) VCF-style: chr21-46950864-G-A.
Other names: c.971C>T, p.Ala324Val (NM_001205206.4, NM_001352511.3, NM_001352512.2); c.851C>T, p.Ala284Val (NM_001205207.3); c.617C>T, p.Ala206Val (NM_001352510.2); short protein forms A324V, A284V, A206V.
Identifiers: ClinVar variation 1355078 (VCV001355078.4), dbSNP rs200647386, ClinGen allele CA10068458.

ClinVar aggregate classification (germline): Uncertain significance (1 of 4 stars; one submission).

Allele frequency attached by ClinVar (database versions not stated): 1000 Genomes Project 30x 0.00016; ESP Exome Variant Server 0.00023; gnomAD 0.00031 and 0.00032; TOPMed 0.00032; gnomAD exomes 0.00043; ExAC 0.00062.
gnomAD v4.1: 557 of 1,452,008 alleles (0.038%); highest among the groups gnomAD compares: Non-Finnish European, 0.047%; no homozygotes.

Submission:

Labcorp Genetics (formerly Invitae), Labcorp
Classification: Uncertain significance. Last evaluated: 2022-11-22. Review status: criteria provided, single submitter. Criteria: Invitae Variant Classification Sherloc (09022015). Collection method: clinical testing. Allele origin: germline.
Comment: ClinVar contains an entry for this variant (Variation ID: 1355078). In summary, the available evidence is currently insufficient to determine the role of this variant in disease. Therefore, it has been classified as a Variant of Uncertain Significance. Algorithms developed to predict the effect of missense changes on protein structure and function are either unavailable or do not agree on the potential impact of this missense change (SIFT: "Deleterious"; PolyPhen-2: "Possibly Damaging"; Align-GVGD: "Class C0"). This missense change has been observed in individual(s) with myelomeningocele (PMID: 28948692). This variant is present in population databases (rs200647386, gnomAD 0.07%), and has an allele count higher than expected for a pathogenic variant. This sequence change replaces alanine, which is neutral and non-polar, with valine, which is neutral and non-polar, at codon 324 of the SLC19A1 protein (p.Ala324Val).

Literature cited by the submitters: PubMed 28948692.